The following is an entry in ClinVar:

NM_001145809.2(MYH14):c.4705G>T (p.Ala1569Ser)

Gene: MYH14 (myosin heavy chain 14; plus strand). Cytogenetic location: 19q13.33.
Variant type: single nucleotide variant.
Coding change: c.4705G>T on transcript NM_001145809.2 (MANE Select); coding-DNA position 4705, G replaced by T.
Protein change: p.Ala1569Ser; replaces alanine 1569 with serine.
Molecular consequence: missense variant.
Genome position (GRCh38, 1-based): chr19:50,286,647, G>T. VCF-style: chr19-50286647-G-T. GRCh37 (hg19) VCF-style: chr19-50789904-G-T.
Other names: c.4606G>T, p.Ala1536Ser (NM_001077186.2); c.4582G>T, p.Ala1528Ser (NM_024729.4); short protein forms A1569S, A1536S, A1528S.
Identifiers: ClinVar variation 164199 (VCV000164199.18), dbSNP rs145522874, ClinGen allele CA176915.

ClinVar aggregate classification (germline): Conflicting classifications of pathogenicity. Review status: criteria provided, conflicting classifications (1 of 4 stars). 5 submissions from 5 submitters: Uncertain significance (2); Likely benign (3). Last evaluated 2026-01-19.

Conditions:
MYH14-related disorder. Also called: MYH14-related condition.
Inborn genetic diseases. Identifiers: MedGen C0950123, MeSH D030342.

Allele frequency attached by ClinVar (database versions not stated): gnomAD exomes 0.00004 and 0.00009; ExAC 0.00018; ESP Exome Variant Server 0.00032; gnomAD 0.00036 and 0.00038; TOPMed 0.00065; 1000 Genomes Project 0.00100; 1000 Genomes Project 30x 0.00141.
gnomAD v4.1: 121 of 1,589,196 alleles (0.0076%); highest among the groups gnomAD compares: African/African-American, 0.11%; no homozygotes.

Submissions (5):

Labcorp Genetics (formerly Invitae), Labcorp
Classification: Likely benign. Last evaluated: 2026-01-19. Review status: criteria provided, single submitter. Criteria: Invitae Variant Classification Sherloc (09022015). Collection method: clinical testing. Allele origin: germline.

PreventionGenetics, part of Exact Sciences
Classification: Likely benign for MYH14-related condition. Last evaluated: 2025-07-28. Review status: criteria provided, single submitter. Criteria: ACMG Guidelines, 2015. Collection method: clinical testing. Allele origin: germline.
Comment: This variant is classified as likely benign based on ACMG/AMP sequence variant interpretation guidelines (Richards et al. 2015 PMID: 25741868, with internal and published modifications).

Ambry Genetics
Classification: Uncertain significance for Inborn genetic diseases. Last evaluated: 2024-01-03. Review status: criteria provided, single submitter. Criteria: Ambry Variant Classification Scheme 2023. Collection method: clinical testing. Allele origin: germline.

GeneDx
Classification: Likely benign. Last evaluated: 2021-08-04. Review status: criteria provided, single submitter. Criteria: GeneDx Variant Classification Process June 2021. Collection method: clinical testing. Allele origin: germline. Affected: yes.

Laboratory for Molecular Medicine, Mass General Brigham Personalized Medicine
Classification: Uncertain significance. Last evaluated: 2014-05-11. Review status: criteria provided, single submitter. Criteria: LMM Criteria. Collection method: clinical testing. Allele origin: germline. Observed: 1 variant allele.
Comment: Variant classified as Uncertain Significance - Favor Benign. The Ala1569Ser vari ant in MYH14 has not been previously reported in individuals with hearing loss, but has been identified in 0.07% (3/4202) of African American chromosomes and 0. 01% (1/8436) European American chromosomes by the NHLBI Exome Sequencing Project , and in 1.0% (2/190) of Luhya (Kenyan) chromosomes and 0.8% (1/119) of Columbia n chromosomes by the 1000 Genomes Project (db SNP rs145522874). Computational prediction tools and conservation analyses do no t provide strong support for or against an impact to the protein. In summary, wh ile the clinical significance of the Ala1569Ser variant is uncertain, its presen ce in several racially diverse populations at a range of frequencies (0.01% - 1. 0%) suggests a more likely benign role.